The following is an entry in ClinVar:

ClinVar aggregate classification (germline): Uncertain significance (1 of 4 stars; one submission).

Allele frequency attached by ClinVar (database versions not stated): gnomAD exomes 0.00001.
gnomAD v4.1: 6 of 1,613,982 alleles (0.00037%); highest among the groups gnomAD compares: Non-Finnish European, 0.00042%; no homozygotes.

Submission:

Labcorp Genetics (formerly Invitae), Labcorp
Classification: Uncertain significance. Last evaluated: 2025-03-17. Review status: criteria provided, single submitter. Criteria: Invitae Variant Classification Sherloc (09022015). Collection method: clinical testing. Allele origin: germline.
Comment: This sequence change replaces methionine, which is neutral and non-polar, with valine, which is neutral and non-polar, at codon 3563 of the HMCN1 protein (p.Met3563Val). This variant is present in population databases (no rsID available, gnomAD 0.0009%). This variant has not been reported in the literature in individuals affected with HMCN1-related conditions. ClinVar contains an entry for this variant (Variation ID: 2414974). An algorithm developed to predict the effect of missense changes on protein structure and function (PolyPhen-2) suggests that this variant is likely to be tolerated. In summary, the available evidence is currently insufficient to determine the role of this variant in disease. Therefore, it has been classified as a Variant of Uncertain Significance.

NM_031935.3(HMCN1):c.10687A>G (p.Met3563Val)

Gene: HMCN1 (hemicentin 1; plus strand). Cytogenetic location: 1q31.1.
Variant type: single nucleotide variant.
Coding change: c.10687A>G on transcript NM_031935.3 (MANE Select); coding-DNA position 10687, A replaced by G.
Protein change: p.Met3563Val; replaces methionine 3563 with valine.
Molecular consequence: missense variant.
Genome position (GRCh38, 1-based): chr1:186,103,585, A>G. VCF-style: chr1-186103585-A-G. GRCh37 (hg19) VCF-style: chr1-186072717-A-G.
Other names: short protein forms M3563V.
Identifiers: ClinVar variation 2414974 (VCV002414974.6), dbSNP rs1003598455, ClinGen allele CA33492395.